The following is an entry in ClinVar:

NC_012920.1(MT-ND1):m.3488T>C

Gene: MT-ND1 (mitochondrially encoded NADH dehydrogenase 1; plus strand).
Variant type: single nucleotide variant.
Genome position: chrM-3488-T-C.
Identifiers: ClinVar variation 692357 (VCV000692357.1), dbSNP rs1603218982, ClinGen allele CA414772891.
Genomic context (GRCh38, chrMT:3,488, plus strand): 5'-GCCCCTACGGGCTACTACAACCCTTCGCTGACGCCATAAAACTCTTCACCAAAGAGCCCC[T>C]AAAACCCGCCACATCTACCATCACCCTCTACATCACCGCCCCGACCTTAGCTCTCACCAT-3'

ClinVar aggregate classification (germline): Uncertain significance (1 of 4 stars; one submission).

Conditions:
Leigh syndrome (NULS). Also called: Leigh's necrotizing encephalopathy; Leigh's disease; Leigh Syndrome (mtDNA deletion); Leigh Disease; Subacute necrotizing encephalopathy; Necrotizing encephalopathy infantile subacute of Leigh. Identifiers: Orphanet 506, MedGen C2931891, MONDO:0009723, OMIM 256000.

Submission:

Wong Mito Lab, Molecular and Human Genetics, Baylor College of Medicine
Classification: Uncertain significance for Leigh syndrome. Last evaluated: 2019-10-17. Review status: criteria provided, single submitter. Criteria: Modified ACMG Guidelines (Unpublished). Collection method: clinical testing. Allele origin: germline.
Comment: The NC_012920.1:m.3488T>C (YP_003024026.1:p.Leu61Pro) variant in MTND1 gene is interpretated to be a Uncertain Significance variant based on the modified ACMG guidelines (unpublished). This variant meets the following evidence codes: PP4

Literature cited by the submitters: PubMed 27177320.